The following is an entry in ClinVar:

NM_000545.8(HNF1A):c.354G>A (p.Met118Ile)

Gene: HNF1A (HNF1 homeobox A; plus strand). Cytogenetic location: 12q24.31.
Variant type: single nucleotide variant.
Coding change: c.354G>A on transcript NM_000545.8 (MANE Select); coding-DNA position 354, G replaced by A.
Protein change: p.Met118Ile; replaces methionine 118 with isoleucine.
Molecular consequence: missense variant.
Genome position (GRCh38, 1-based): chr12:120,988,860, G>A. VCF-style: chr12-120988860-G-A. GRCh37 (hg19) VCF-style: chr12-121426663-G-A.
Other names: c.354G>A, p.Met118Ile (NM_001306179.2, NM_001406915.1); short protein forms M118I.
Identifiers: ClinVar variation 2202010 (VCV002202010.4), dbSNP rs764191958, ClinGen allele CA6831745.

ClinVar aggregate classification (germline): Uncertain significance. Review status: criteria provided, multiple submitters, no conflicts (2 of 4 stars). 2 submissions from 2 submitters: Uncertain significance (2). Last evaluated 2024-04-24.

Conditions:
Nonpapillary renal cell carcinoma. Identifiers: Orphanet 422526, MedGen CN074294, MONDO:0007763, OMIM 144700.
Maturity-onset diabetes of the young type 3. Also called: MODY, type III; MODY type 3. Identifiers: Orphanet 552, MedGen C1838100, MeSH C563933, MONDO:0010894, OMIM 600496. Disease mechanism: loss of function.
Type 1 diabetes mellitus 20 (T1D20). Also called: Diabetes mellitus, insulin-dependent, 20. Identifiers: MedGen C2675866, MONDO:0012919, OMIM 612520.
Hepatic adenomas, familial. Also called: LIVER CELL ADENOMAS, FAMILIAL; HEPATIC ADENOMA, SOMATIC. Identifiers: MedGen C1840646, MONDO:0007718, OMIM 142330.
Diabetes mellitus type 1 (T1D). Also called: Type I diabetes mellitus; Diabetes Mellitus, Juvenile-Onset. Identifiers: MedGen C0011854, MONDO:0005147, OMIM 222100, HP:0100651.
Type 2 diabetes mellitus. Also called: Type II diabetes mellitus. Identifiers: MedGen C0011860, MeSH D003924, MONDO:0005148, OMIM 125853, HP:0005978.

Allele frequency attached by ClinVar (database versions not stated): gnomAD 0.00001; gnomAD exomes 0.00001; ExAC 0.00002; TOPMed 0.00002.

Submissions (2):

Fulgent Genetics
Classification: Uncertain significance for Type 2 diabetes mellitus; Hepatic adenomas, familial; Nonpapillary renal cell carcinoma; Diabetes mellitus type 1; Maturity-onset diabetes of the young type 3; Type 1 diabetes mellitus 20. Last evaluated: 2024-04-24. Review status: criteria provided, single submitter. Criteria: ACMG Guidelines, 2015. Collection method: clinical testing. Allele origin: germline.

Labcorp Genetics (formerly Invitae), Labcorp
Classification: Uncertain significance. Last evaluated: 2022-08-16. Review status: criteria provided, single submitter. Criteria: Invitae Variant Classification Sherloc (09022015). Collection method: clinical testing. Allele origin: germline.
Comment: This variant has not been reported in the literature in individuals affected with HNF1A-related conditions. This variant is present in population databases (rs764191958, gnomAD 0.002%). This sequence change replaces methionine, which is neutral and non-polar, with isoleucine, which is neutral and non-polar, at codon 118 of the HNF1A protein (p.Met118Ile). In summary, the available evidence is currently insufficient to determine the role of this variant in disease. Therefore, it has been classified as a Variant of Uncertain Significance. Advanced modeling of protein sequence and biophysical properties (such as structural, functional, and spatial information, amino acid conservation, physicochemical variation, residue mobility, and thermodynamic stability) performed at Invitae indicates that this missense variant is expected to disrupt HNF1A protein function.